The following is an entry in ClinVar:

ClinVar aggregate classification (germline): Pathogenic (1 of 4 stars; one submission).

Conditions:
Tuberous sclerosis syndrome (TSC). Also called: Tuberous Sclerosis Complex; Tuberous sclerosis. Identifiers: Orphanet 805, MedGen C0041341, MONDO:0001734.

Submission:

Cambridge Genomics Laboratory, East Genomic Laboratory Hub, NHS Genomic Medicine Service
Classification: Pathogenic for Tuberous sclerosis. Last evaluated: 2025-09-18. Review status: criteria provided, single submitter. Criteria: ACGS Best Practice Guidelines for Variant Classification in Rare Disease 2020. Collection method: clinical testing. Allele origin: germline. Affected: yes.
Comment: PVS1,PM2

NM_000548.5(TSC2):c.4882A>T (p.Lys1628Ter)

Gene: TSC2 (TSC complex subunit 2; plus strand). Cytogenetic location: 16p13.3.
Variant type: single nucleotide variant.
Coding change: c.4882A>T on transcript NM_000548.5 (MANE Select); coding-DNA position 4882, A replaced by T.
Protein change: p.Lys1628Ter; replaces lysine 1628 with a stop codon.
Molecular consequence: nonsense. On other transcripts: non-coding transcript variant (4).
Genome position (GRCh38, 1-based): chr16:2,086,764, A>T. VCF-style: chr16-2086764-A-T. GRCh37 (hg19) VCF-style: chr16-2136765-A-T.
Other names: c.4573A>T, p.Lys1525Ter (NM_001318827.2); c.4537A>T, p.Lys1513Ter (NM_001318829.2); c.4150A>T, p.Lys1384Ter (NM_001318831.2); c.4714A>T, p.Lys1572Ter (NM_001318832.2); c.4684A>T, p.Lys1562Ter (NM_001363528.2); c.4750A>T, p.Lys1584Ter (NM_001370404.1); c.4753A>T, p.Lys1585Ter (NM_001370405.1, NM_021055.3); c.4879A>T, p.Lys1627Ter (NM_001406663.1); and 26 more; short protein forms K1027*, K1113*, K1362*, K1384*, K1405*, K1524*, K1557*, K1562*.
Identifiers: ClinVar variation 4540598 (VCV004540598.1).